The following is an entry in ClinVar:

ClinVar aggregate classification (germline): Uncertain significance (1 of 4 stars; one submission).

Conditions:
Charcot-Marie-Tooth disease recessive intermediate C. Also called: CHARCOT-MARIE-TOOTH NEUROPATHY, RECESSIVE INTERMEDIATE C. Identifiers: Orphanet 369867, MedGen C3809309, MONDO:0014154, OMIM 615376.
Neuronopathy, distal hereditary motor, autosomal recessive 4. Also called: NEUROPATHY, DISTAL HEREDITARY MOTOR, AUTOSOMAL RECESSIVE 4; Autosomal recessive lower motor neuron disease with childhood onset. Identifiers: Orphanet 206580, MedGen C1970211, MONDO:0012608, OMIM 611067.

Submission:

Labcorp Genetics (formerly Invitae), Labcorp
Classification: Uncertain significance for Neuronopathy, distal hereditary motor, autosomal recessive 4; Charcot-Marie-Tooth disease recessive intermediate C. Last evaluated: 2022-03-04. Review status: criteria provided, single submitter. Criteria: Invitae Variant Classification Sherloc (09022015). Collection method: clinical testing. Allele origin: germline.
Comment: Algorithms developed to predict the effect of missense changes on protein structure and function are either unavailable or do not agree on the potential impact of this missense change (SIFT: "Tolerated"; PolyPhen-2: "Probably Damaging"; Align-GVGD: "Class C0"). This sequence change replaces leucine, which is neutral and non-polar, with isoleucine, which is neutral and non-polar, at codon 822 of the PLEKHG5 protein (p.Leu822Ile). This variant is not present in population databases (gnomAD no frequency). This variant has not been reported in the literature in individuals affected with PLEKHG5-related conditions. In summary, the available evidence is currently insufficient to determine the role of this variant in disease. Therefore, it has been classified as a Variant of Uncertain Significance.

NM_020631.6(PLEKHG5):c.2464C>A (p.Leu822Ile)

Gene: PLEKHG5 (pleckstrin homology and RhoGEF domain containing G5; minus strand). Cytogenetic location: 1p36.31.
Variant type: single nucleotide variant.
Coding change: c.2464C>A on transcript NM_020631.6 (MANE Select); coding-DNA position 2464, C replaced by A.
Protein change: p.Leu822Ile; replaces leucine 822 with isoleucine.
Molecular consequence: missense variant.
Genome position (GRCh38, 1-based): chr1:6,468,372, G>T on the plus strand (C>A on the coding strand, the complement: PLEKHG5 is on the minus strand). VCF-style: chr1-6468372-G-T. GRCh37 (hg19) VCF-style: chr1-6528432-G-T.
Other names: c.2575C>A, p.Leu859Ile (NM_001042663.3, NM_001265592.2); c.2464C>A, p.Leu822Ile (NM_001042664.2, NM_001042665.2, NM_001265594.3 and 1 more transcripts); c.2671C>A, p.Leu891Ile (NM_001265593.2); short protein forms L822I, L891I, L859I.
Identifiers: ClinVar variation 2103641 (VCV002103641.4), dbSNP rs2523116240, ClinGen allele CA338116673.